The following is an entry in ClinVar:

NM_031407.7(HUWE1):c.7013G>C (p.Ser2338Thr)

Gene: HUWE1 (HECT, UBA and WWE domain containing E3 ubiquitin protein ligase 1; minus strand). Cytogenetic location: Xp11.22.
Variant type: single nucleotide variant.
Coding change: c.7013G>C on transcript NM_031407.7 (MANE Select); coding-DNA position 7013, G replaced by C.
Protein change: p.Ser2338Thr; replaces serine 2338 with threonine.
Molecular consequence: missense variant.
Genome position (GRCh38, 1-based): chrX:53,564,590, C>G on the plus strand (G>C on the coding strand, the complement: HUWE1 is on the minus strand). VCF-style: chrX-53564590-C-G. GRCh37 (hg19) VCF-style: chrX-53591551-C-G.
Other names: short protein forms S2338T.
Identifiers: ClinVar variation 1303455 (VCV001303455.4), dbSNP rs2062442667, ClinGen allele CA413161415.

ClinVar aggregate classification (germline): Uncertain significance. Review status: criteria provided, multiple submitters, no conflicts (2 of 4 stars). 2 submissions from 2 submitters: Uncertain significance (2). Last evaluated 2024-02-08.

Conditions:
Intellectual developmental disorder, X-linked, syndromic, Turner type. Also called: Intellectual disability, X-linked syndromic, Turner type; X-linked intellectual disability, Turner type. Identifiers: Orphanet 3056, Orphanet 85328, MedGen C2678046, MONDO:0010407, OMIM 309590.

Allele frequency attached by ClinVar (database versions not stated): gnomAD 0.00001; TOPMed 0.00001.
gnomAD v4.1: 1 of 1,209,269 alleles (0.000083%); highest among the groups gnomAD compares: African/African-American, 0.0018%; no homozygotes.

Submissions (2):

GeneDx
Classification: Uncertain significance. Last evaluated: 2024-02-08. Review status: criteria provided, single submitter. Criteria: GeneDx Variant Classification Process June 2021. Collection method: clinical testing. Allele origin: germline. Affected: yes.
Comment: Not observed in large population cohorts (gnomAD); In silico analysis supports that this missense variant does not alter protein structure/function; Has not been previously published as pathogenic or benign to our knowledge

Clinical Genomics Laboratory, Washington University in St. Louis
Classification: Uncertain significance for Intellectual developmental disorder, X-linked, syndromic, Turner type. Last evaluated: 2023-09-11. Review status: criteria provided, single submitter. Criteria: ACMG Guidelines, 2015. Collection method: clinical testing. Allele origin: germline.
Comment: The HUWE1 c.7013G>C (p.Ser2338Thr) variant, to our knowledge, has not been reported in the medical literature and is absent from the general population (gnomAD v.2.1.1), indicating it is not a common variant. Computational predictors suggest that the variant does not impact HUWE1 function. This variant has been reported in the ClinVar database as a variant of uncertain significance by one submitter. Due to limited information, and based on ACMG/AMP guidelines for variant interpretation (Richards S et al., PMID: 25741868), the clinical significance of this variant is uncertain at this time.